The following is an entry in ClinVar:

ClinVar aggregate classification (germline): Conflicting classifications of pathogenicity. Review status: criteria provided, conflicting classifications (1 of 4 stars). 3 submissions from 3 submitters: Pathogenic (1); Uncertain significance (2). Last evaluated 2025-01-08.

Conditions:
Neurofibromatosis, type 1 (NF1). Also called: VON RECKLINGHAUSEN DISEASE; NEUROFIBROMATOSIS, TYPE I, SOMATIC; Peripheral type neurofibromatosis; Neurofibromatosis, type I. Identifiers: Orphanet 636, MedGen C0027831, MONDO:0018975, OMIM 162200. Disease mechanism: loss of function.
Cardiovascular phenotype. Identifiers: MedGen CN230736.
Hereditary cancer-predisposing syndrome. Also called: Neoplastic Syndromes, Hereditary; Tumor predisposition; Hereditary neoplastic syndrome; Hereditary Cancer Syndrome. Identifiers: Orphanet 140162, MedGen C0027672, MeSH D009386, MONDO:0015356.

Submissions (3):

Labcorp Genetics (formerly Invitae), Labcorp
Classification: Pathogenic for Neurofibromatosis, type 1. Last evaluated: 2025-01-08. Review status: criteria provided, single submitter. Criteria: Invitae Variant Classification Sherloc (09022015). Collection method: clinical testing. Allele origin: germline.
Comment: This sequence change replaces leucine, which is neutral and non-polar, with proline, which is neutral and non-polar, at codon 499 of the NF1 protein (p.Leu499Pro). This variant is not present in population databases (gnomAD no frequency). This missense change has been observed in individual(s) with clinical features of neurofibromatosis type 1 (internal data). In at least one individual the variant was observed to be de novo. ClinVar contains an entry for this variant (Variation ID: 527502). Invitae Evidence Modeling of protein sequence and biophysical properties (such as structural, functional, and spatial information, amino acid conservation, physicochemical variation, residue mobility, and thermodynamic stability) indicates that this missense variant is expected to disrupt NF1 protein function with a positive predictive value of 95%. This variant disrupts the p.Leu499 amino acid residue in NF1. Other variant(s) that disrupt this residue have been determined to be pathogenic (PMID: 26740943, 28529006). This suggests that this residue is clinically significant, and that variants that disrupt this residue are likely to be disease-causing. For these reasons, this variant has been classified as Pathogenic.

Genome-Nilou Lab
Classification: Uncertain significance for Neurofibromatosis, type 1. Last evaluated: 2022-03-15. Review status: criteria provided, single submitter. Criteria: ACMG Guidelines, 2015. Collection method: clinical testing. Allele origin: germline. Affected: no.

Ambry Genetics
Classification: Uncertain significance for Cardiovascular phenotype; Hereditary cancer-predisposing syndrome. Last evaluated: 2018-10-02. Review status: criteria provided, single submitter. Criteria: Ambry Variant Classification Scheme 2023. Collection method: clinical testing. Allele origin: germline.
Comment: The p.L499P variant (also known as c.1496T>C), located in coding exon 13 of the NF1 gene, results from a T to C substitution at nucleotide position 1496. The leucine at codon 499 is replaced by proline, an amino acid with similar properties. This amino acid position is highly conserved in available vertebrate species. In addition, this alteration is predicted to be deleterious by in silico analysis. Since supporting evidence is limited at this time, the clinical significance of this alteration remains unclear.

Literature cited by the submitters: PubMed 26740943 (cited by Labcorp Genetics (formerly Invitae), Labcorp); PubMed 28529006 (cited by Labcorp Genetics (formerly Invitae), Labcorp).

NM_001042492.3(NF1):c.1496T>C (p.Leu499Pro)

Gene: NF1 (neurofibromin 1; plus strand). Cytogenetic location: 17q11.2.
Variant type: single nucleotide variant.
Coding change: c.1496T>C on transcript NM_001042492.3 (MANE Select); coding-DNA position 1496, T replaced by C.
Protein change: p.Leu499Pro; replaces leucine 499 with proline.
Molecular consequence: missense variant.
Genome position (GRCh38, 1-based): chr17:31,214,554, T>C. VCF-style: chr17-31214554-T-C. GRCh37 (hg19) VCF-style: chr17-29541572-T-C.
Other names: c.1496T>C, p.Leu499Pro (NM_000267.4, NM_001128147.3); short protein forms L499P.
Identifiers: ClinVar variation 527502 (VCV000527502.12), dbSNP rs1555612288, ClinGen allele CA399001640.